The following is an entry in ClinVar:

NM_001134831.2(AHI1):c.3039G>C (p.Gln1013His)

Gene: AHI1 (Abelson helper integration site 1; minus strand). Cytogenetic location: 6q23.3.
Variant type: single nucleotide variant.
Coding change: c.3039G>C on transcript NM_001134831.2 (MANE Select); coding-DNA position 3039, G replaced by C.
Protein change: p.Gln1013His; replaces glutamine 1013 with histidine.
Molecular consequence: missense variant.
Genome position (GRCh38, 1-based): chr6:135,394,846, C>G on the plus strand (G>C on the coding strand, the complement: AHI1 is on the minus strand). VCF-style: chr6-135394846-C-G. GRCh37 (hg19) VCF-style: chr6-135715984-C-G.
Other names: c.3039G>C, p.Gln1013His (NM_001134830.2, NM_001134832.2, NM_001350503.2 and 2 more transcripts); short protein forms Q1013H.
Identifiers: ClinVar variation 1368024 (VCV001368024.3), dbSNP rs142381345, ClinGen allele CA365843768.

ClinVar aggregate classification (germline): Uncertain significance (1 of 4 stars; one submission).

Conditions:
Joubert syndrome. Also called: CEREBELLOPARENCHYMAL DISORDER IV; JOUBERT-BOLTSHAUSER SYNDROME; Familial aplasia of the vermis. Identifiers: Orphanet 475, MedGen C5979921, MONDO:0018772.

gnomAD v4.1: 8 of 1,606,292 alleles (0.0005%); highest among the groups gnomAD compares: Admixed American, 0.0017%; no homozygotes.

Submission:

Labcorp Genetics (formerly Invitae), Labcorp
Classification: Uncertain significance for Joubert syndrome. Last evaluated: 2022-08-09. Review status: criteria provided, single submitter. Criteria: Invitae Variant Classification Sherloc (09022015). Collection method: clinical testing. Allele origin: germline.
Comment: This sequence change replaces glutamine, which is neutral and polar, with histidine, which is basic and polar, at codon 1013 of the AHI1 protein (p.Gln1013His). The frequency data for this variant in the population databases is considered unreliable, as metrics indicate poor data quality at this position in the gnomAD database. This variant has not been reported in the literature in individuals affected with AHI1-related conditions. ClinVar contains an entry for this variant (Variation ID: 1368024). Advanced modeling of protein sequence and biophysical properties (such as structural, functional, and spatial information, amino acid conservation, physicochemical variation, residue mobility, and thermodynamic stability) performed at Invitae indicates that this missense variant is not expected to disrupt AHI1 protein function. In summary, the available evidence is currently insufficient to determine the role of this variant in disease. Therefore, it has been classified as a Variant of Uncertain Significance.